The following is an entry in ClinVar:

NM_004380.3(CREBBP):c.5172+10_5172+11delinsCT

Gene: CREBBP (CREB binding lysine acetyltransferase; minus strand). Cytogenetic location: 16p13.3.
Variant type: Indel.
Coding change: c.5172+10_5172+11delinsCT on transcript NM_004380.3 (MANE Select); bases 10 to 11 of the intron after coding-DNA position 5172, GC replaced by CT.
Molecular consequence: intron variant.
Genome position (GRCh38, 1-based): chr16:3,731,181-3,731,182, GC replaced by AG on the plus strand (GC replaced by CT on the coding strand, the reverse complement: CREBBP is on the minus strand). VCF-style: chr16-3731181-GC-AG. GRCh37 (hg19) VCF-style: chr16-3781182-GC-AG.
Other names: c.5058+10_5058+11delinsCT (NM_001079846.1).
Identifiers: ClinVar variation 3724995 (VCV003724995.2).
Genomic context (GRCh38, chr16:3,731,181, plus strand): 5'-CATGCAAAGGGACAGGATGCTTCGTCAGACCCCAGGCCGGCTGTGGGGGTGGGGGTGGGG[GC>AG]AGGGCCTACCTCGCACACAGTGCAGTGCCAGCGCGTCTCCACGTGGTGCTTGCACTCGTT-3'

ClinVar aggregate classification (germline): Uncertain significance (1 of 4 stars; one submission).

Conditions:
Rubinstein-Taybi syndrome (RSTS). Identifiers: Orphanet 783, MedGen C0035934, MONDO:0019188.

Submission:

Labcorp Genetics (formerly Invitae), Labcorp
Classification: Uncertain significance for Rubinstein-Taybi syndrome. Last evaluated: 2025-01-12. Review status: criteria provided, single submitter. Criteria: Invitae Variant Classification Sherloc (09022015). Collection method: clinical testing. Allele origin: germline.
Comment: This sequence change falls in intron 30 of the CREBBP gene. It does not directly change the encoded amino acid sequence of the CREBBP protein. Information on the frequency of this variant in the gnomAD database is not available, as this variant may be reported differently in the database. This variant has not been reported in the literature in individuals affected with CREBBP-related conditions. Experimental studies and prediction algorithms are not available or were not evaluated, and the effect of this variant on mRNA splicing is currently unknown. In summary, the available evidence is currently insufficient to determine the role of this variant in disease. Therefore, it has been classified as a Variant of Uncertain Significance.